The following is an entry in ClinVar:

ClinVar aggregate classification (germline): Uncertain significance (1 of 4 stars; one submission).

Conditions:
Joubert syndrome. Also called: Familial aplasia of the vermis; JOUBERT-BOLTSHAUSER SYNDROME; CEREBELLOPARENCHYMAL DISORDER IV. Identifiers: Orphanet 475, MedGen C5979921, MONDO:0018772.
Orofaciodigital syndrome I (OFD1). Also called: Papillon-Leage and Psaume Syndrome; OFDS I; Oral-Facial-Digital Syndrome Type I. Identifiers: Orphanet 2750, MedGen C1510460, MONDO:0010702, OMIM 311200.

Submission:

Labcorp Genetics (formerly Invitae), Labcorp
Classification: Uncertain significance for Orofaciodigital syndrome I; Joubert syndrome. Last evaluated: 2025-06-04. Review status: criteria provided, single submitter. Criteria: Invitae Variant Classification Sherloc (09022015). Collection method: clinical testing. Allele origin: germline.
Comment: This sequence change replaces threonine, which is neutral and polar, with asparagine, which is neutral and polar, at codon 107 of the OFD1 protein (p.Thr107Asn). This variant is present in population databases (rs765372289, gnomAD 0.02%). This variant has not been reported in the literature in individuals affected with OFD1-related conditions. Invitae Evidence Modeling of protein sequence and biophysical properties (such as structural, functional, and spatial information, amino acid conservation, physicochemical variation, residue mobility, and thermodynamic stability) indicates that this missense variant is not expected to disrupt OFD1 protein function with a negative predictive value of 80%. In summary, the available evidence is currently insufficient to determine the role of this variant in disease. Therefore, it has been classified as a Variant of Uncertain Significance.

NM_003611.3(OFD1):c.320C>A (p.Thr107Asn)

Gene: OFD1 (OFD1 centriole and centriolar satellite protein; plus strand). Cytogenetic location: Xp22.2.
Variant type: single nucleotide variant.
Coding change: c.320C>A on transcript NM_003611.3 (MANE Select); coding-DNA position 320, C replaced by A.
Protein change: p.Thr107Asn; replaces threonine 107 with asparagine.
Molecular consequence: missense variant. On other transcripts: 5 prime UTR variant (1).
Genome position (GRCh38, 1-based): chrX:13,738,853, C>A. VCF-style: chrX-13738853-C-A. GRCh37 (hg19) VCF-style: chrX-13756972-C-A.
Other names: c.320C>A, p.Thr107Asn (NM_001330209.2, NM_001440947.1, NM_001440948.1); c.-226C>A (NM_001330210.2); short protein forms T107N.
Identifiers: ClinVar variation 4791175 (VCV004791175.1).